The following is an entry in ClinVar:

NM_001348768.2(HECW2):c.2814+9C>T

Gene: HECW2 (HECT, C2 and WW domain containing E3 ubiquitin protein ligase 2; minus strand). Cytogenetic location: 2q32.3.
Variant type: single nucleotide variant.
Coding change: c.2814+9C>T on transcript NM_001348768.2 (MANE Select); 9 bases into the intron after coding-DNA position 2814, C replaced by T.
Molecular consequence: intron variant.
Genome position (GRCh38, 1-based): chr2:196,306,479, G>A on the plus strand (C>T on the coding strand, the complement: HECW2 is on the minus strand). VCF-style: chr2-196306479-G-A. GRCh37 (hg19) VCF-style: chr2-197171203-G-A.
Other names: c.2814+9C>T (NM_020760.4); c.1746+9C>T (NM_001304840.3).
Identifiers: ClinVar variation 3768192 (VCV003768192.2).
Genomic context (GRCh38, chr2:196,306,479, plus strand): 5'-CTACAGAAACAACGATCATTTGCTTTGGCCTGCTGTTTTCCTTCACACTCTTTCAGATTC[G>A]CTACTCACAGGGTTAGAATGCAGCACGGTGAAGAACTCTGGGCTGATGAGGAACTTCACG-3'

ClinVar aggregate classification (germline): Likely benign. Review status: criteria provided, multiple submitters, no conflicts (2 of 4 stars). 2 submissions from 2 submitters: Likely benign (2). Last evaluated 2024-12-09.

gnomAD v4.1: 68 of 1,597,514 alleles (0.0043%); highest among the groups gnomAD compares: Non-Finnish European, 0.005%; no homozygotes.

Submissions (2):

Women's Health and Genetics/Laboratory Corporation of America, LabCorp
Classification: Likely benign. Last evaluated: 2024-12-09. Review status: criteria provided, single submitter. Criteria: LabCorp Variant Classification Summary - May 2015. Collection method: clinical testing. Allele origin: germline.
Comment: Variant summary: HECW2 c.2814+9C>T alters a non-conserved nucleotide located at a position not widely known to affect splicing. Consensus agreement among computation tools predict no significant impact on normal splicing. However, these predictions have yet to be confirmed by functional studies. The variant allele was found at a frequency of 2.5e-05 in 238778 control chromosomes (gnomAD). The available data on variant occurrences in the general population are insufficient to allow any conclusion about variant significance. To our knowledge, no occurrence of c.2814+9C>T in individuals affected with Neurodevelopmental Disorder With Hypotonia, Seizures, And Absent Language and no experimental evidence demonstrating its impact on protein function have been reported. No submitters have cited clinical-significance assessments for this variant to ClinVar. Based on the evidence outlined above, the variant was classified as likely benign.

Blueprint Genetics
Classification: Likely benign. Last evaluated: 2023-01-12. Review status: criteria provided, single submitter. Criteria: ACMG Guidelines, 2015. Collection method: clinical testing. Allele origin: germline.